The following is an entry in ClinVar:

NM_025137.4(SPG11):c.7000-3_7000-2insAGG

Gene: SPG11 (SPG11 vesicle trafficking associated, spatacsin; minus strand). Cytogenetic location: 15q21.1.
Variant type: Insertion.
Coding change: c.7000-3_7000-2insAGG on transcript NM_025137.4 (MANE Select); 3 bases into the intron before coding-DNA position 7000 through the canonical splice acceptor site of the intron before coding-DNA position 7000, AGG inserted.
Molecular consequence: intron variant.
Genome position: GRCh38 VCF-style: chr15-44564700-T-TTCC. GRCh37 (hg19) VCF-style: chr15-44856898-T-TTCC.
Other names: c.6661-3_6661-2insAGG (NM_001160227.2).
Identifiers: ClinVar variation 41355 (VCV000041355.11), dbSNP rs312262787, ClinGen allele CA344387.

ClinVar aggregate classification (germline): Pathogenic/Likely pathogenic. Review status: criteria provided, multiple submitters, no conflicts (2 of 4 stars). 3 submissions from 3 submitters: Pathogenic (1); Likely pathogenic (1). 1 of the submissions does not count toward it. Last evaluated 2025-11-11.

Conditions:
Hereditary spastic paraplegia. Also called: Familial spastic paraparesis. Identifiers: Orphanet 685, MedGen C0037773, MONDO:0019064. Disease mechanism: loss of function.
Hereditary spastic paraplegia 11. Also called: SPASTIC PARAPLEGIA, AUTOSOMAL RECESSIVE, COMPLICATED, WITH THIN CORPUS CALLOSUM; SPASTIC PARAPLEGIA, AUTOSOMAL RECESSIVE, WITH MENTAL IMPAIRMENT AND THIN CORPUS CALLOSUM; Spastic paraplegia, mental retardation and thin corpus callosum; Spastic Paraplegia 11; Nakamura Osame syndrome; Autosomal recessive hereditary spastic paraplegia, mental impairment, and thin corpus callosum. Identifiers: Orphanet 2822, MedGen C1858479, MONDO:0011445, OMIM 604360.

Submissions (3):

Labcorp Genetics (formerly Invitae), Labcorp
Classification: Pathogenic for Hereditary spastic paraplegia 11. Last evaluated: 2025-11-11. Review status: criteria provided, single submitter. Criteria: Invitae Variant Classification Sherloc (09022015). Collection method: clinical testing. Allele origin: germline.
Comment: This sequence change falls in intron 38 of the SPG11 gene. It does not directly change the encoded amino acid sequence of the SPG11 protein. RNA analysis indicates that this variant induces altered splicing and may result in an absent or altered protein product. This variant is present in population databases (rs312262787, gnomAD 0.0009%). This variant has been observed in individual(s) with clinical features of hereditary spastic paraplegia (PMID: 19196735; internal data). In at least one individual the data is consistent with being in trans (on the opposite chromosome) from a pathogenic variant. It has also been observed to segregate with disease in related individuals. ClinVar contains an entry for this variant (Variation ID: 41355). Studies have shown that this variant results in activation of a cryptic splice site, and produces a non-functional protein and/or introduces a premature termination codon (PMID: 19196735). For these reasons, this variant has been classified as Pathogenic.

Women's Health and Genetics/Laboratory Corporation of America, LabCorp
Classification: Likely pathogenic for Hereditary spastic paraplegia. Last evaluated: 2023-07-03. Review status: criteria provided, single submitter. Criteria: LabCorp Variant Classification Summary - May 2015. Collection method: clinical testing. Allele origin: germline.
Comment: Variant summary: SPG11 c.7000-3_7000-2insGGA introduces 3 nucleotides close to a canonical splice site and therefore could affect mRNA splicing, leading to a significantly altered protein sequence. Several computational tools predict a significant impact on normal splicing: four predict the variant abolishes a 3' acceptor site, and four predict the variant creates a 3' acceptor site four nucleotides upstream, potentially leading to a frameshift. At least one publication reports experimental evidence supporting these predictions, finding that the variant affects mRNA splicing through the generation of a new 3' acceptor site that introduces four nucleotides and leads to a frameshift (p.Ala2334GlufsX6; Crimella_2009). The variant allele was found at a frequency of 8e-06 in 250878 control chromosomes (gnomAD). The available data on variant occurrences in the general population are insufficient to allow any conclusion about variant significance. c.7000-3_7000-2insGGA has been reported in the literature in at least two compound heterozygous siblings affected with Hereditary Spastic Paraplegia (e.g., Crimella_2009). These data indicate that the variant may be associated with disease. The following publication was ascertained in the context of this evaluation (PMID: 19196735). One submitter has reported clinical-significance assessments for this variant to ClinVar after 2014 and has classified the variant as pathogenic. Based on the evidence outlined above, the variant was classified as likely pathogenic.

GeneReviews
Classification: Pathogenic for Spastic Paraplegia 11. Last evaluated: 2013-01-31. Review status: no assertion criteria provided. Collection method: curation. Allele origin: unknown. Not counted in ClinVar's aggregate classification.
ClinVar note: Converted during submission from pathologic to Pathogenic.

Literature cited by the submitters: PubMed 19196735 (cited by Labcorp Genetics (formerly Invitae), Labcorp and Women's Health and Genetics/Laboratory Corporation of America, LabCorp).